The following is an entry in ClinVar:

ClinVar aggregate classification (germline): Uncertain significance. Review status: criteria provided, multiple submitters, no conflicts (2 of 4 stars). 2 submissions from 2 submitters: Uncertain significance (2). Last evaluated 2025-04-13.

Conditions:
Inborn genetic diseases. Identifiers: MedGen C0950123, MeSH D030342.

Submissions (2):

Ambry Genetics
Classification: Uncertain significance for Inborn genetic diseases. Last evaluated: 2025-04-13. Review status: criteria provided, single submitter. Criteria: Ambry Variant Classification Scheme 2023. Collection method: clinical testing. Allele origin: germline.

Labcorp Genetics (formerly Invitae), Labcorp
Classification: Uncertain significance. Last evaluated: 2024-08-08. Review status: criteria provided, single submitter. Criteria: Invitae Variant Classification Sherloc (09022015). Collection method: clinical testing. Allele origin: germline.
Comment: This sequence change replaces glycine, which is neutral and non-polar, with arginine, which is basic and polar, at codon 4913 of the ADGRV1 protein (p.Gly4913Arg). This variant is not present in population databases (gnomAD no frequency). This missense change has been observed in individual(s) with deafness (Invitae). In at least one individual the data is consistent with being in trans (on the opposite chromosome) from a pathogenic variant. Advanced modeling of protein sequence and biophysical properties (such as structural, functional, and spatial information, amino acid conservation, physicochemical variation, residue mobility, and thermodynamic stability) has been performed at Invitae for this missense variant, however the output from this modeling did not meet the statistical confidence thresholds required to predict the impact of this variant on ADGRV1 protein function. In summary, the available evidence is currently insufficient to determine the role of this variant in disease. Therefore, it has been classified as a Variant of Uncertain Significance.

NM_032119.4(ADGRV1):c.14737G>C (p.Gly4913Arg)

Gene: ADGRV1 (adhesion G protein-coupled receptor V1; plus strand). Cytogenetic location: 5q14.3.
Variant type: single nucleotide variant.
Coding change: c.14737G>C on transcript NM_032119.4 (MANE Select); coding-DNA position 14737, G replaced by C.
Protein change: p.Gly4913Arg; replaces glycine 4913 with arginine.
Molecular consequence: missense variant. On other transcripts: non-coding transcript variant (1).
Genome position (GRCh38, 1-based): chr5:90,805,359, G>C. VCF-style: chr5-90805359-G-C. GRCh37 (hg19) VCF-style: chr5-90101176-G-C.
Other names: c.14737G>C (NM_032119.3); short protein forms G4913R.
Identifiers: ClinVar variation 3686673 (VCV003686673.3).